The following is an entry in ClinVar:

ClinVar aggregate classification (germline): Pathogenic (1 of 4 stars; one submission).

Submission:

Labcorp Genetics (formerly Invitae), Labcorp
Classification: Pathogenic. Last evaluated: 2023-08-30. Review status: criteria provided, single submitter. Criteria: Invitae Variant Classification Sherloc (09022015). Collection method: clinical testing. Allele origin: unknown.
Comment: This variant results in the deletion of part of exon 33 (c.6326-2110_6453delinsTTCTAGA) of the USH2A gene. It is expected to disrupt RNA splicing. Variants that disrupt the donor or acceptor splice site typically lead to a loss of protein function (PMID: 16199547), and loss-of-function variants in USH2A are known to be pathogenic (PMID: 10729113, 10909849, 20507924, 25649381). This variant has not been reported in the literature in individuals affected with USH2A-related conditions. This variant disrupts a region of the USH2A protein in which other variant(s) (p.Cys2128Arg) have been determined to be pathogenic (PMID: 32675063). This suggests that this is a clinically significant region of the protein, and that variants that disrupt it are likely to be disease-causing. For these reasons, this variant has been classified as Pathogenic.

Literature cited by the submitters: PubMed 16199547; PubMed 10729113; PubMed 10909849; PubMed 20507924; PubMed 25649381; PubMed 32675063.

NC_000001.10:g.(?_216173777)_(216176014_?)del

Gene: USH2A (usherin; minus strand). Cytogenetic location: 1q41.
Variant type: Deletion.
Identifiers: ClinVar variation 3248086 (VCV003248086.1).